The following is an entry in ClinVar:

NM_198428.3(BBS9):c.1258A>G (p.Asn420Asp)

Gene: BBS9 (Bardet-Biedl syndrome 9; plus strand). Cytogenetic location: 7p14.3.
Variant type: single nucleotide variant.
Coding change: c.1258A>G on transcript NM_198428.3 (MANE Select); coding-DNA position 1258, A replaced by G.
Protein change: p.Asn420Asp; replaces asparagine 420 with aspartic acid.
Molecular consequence: missense variant. On other transcripts: non-coding transcript variant (3).
Genome position (GRCh38, 1-based): chr7:33,340,956, A>G. VCF-style: chr7-33340956-A-G. GRCh37 (hg19) VCF-style: chr7-33380568-A-G.
Other names: c.1258A>G, p.Asn420Asp (NM_001033604.2, NM_001033605.2, NM_001348036.1 and 5 more transcripts); c.892A>G, p.Asn298Asp (NM_001348037.3, NM_001348044.3, NM_001348045.3 and 1 more transcripts); c.985A>G, p.Asn329Asp (NM_001348038.3, NM_001348039.3); c.1123A>G, p.Asn375Asp (NM_001348042.3); c.1258A>G (NM_198428.2); short protein forms N420D, N329D, N298D, N375D.
Identifiers: ClinVar variation 1445035 (VCV001445035.8), dbSNP rs1436119227, ClinGen allele CA367255260.
Genomic context (GRCh38, chr7:33,340,956, plus strand): 5'-GGTGTTTGGCCCATGACTGAGAGAGAAGATGACTTGAACGTTTCTGTCGTGGTTTCTCCT[A>G]ACTTTGATTCAGTTTCTGTAGGTGTACTTGCAGATTTTAAAGGGGTTTATAAGAGTGGTA-3'
Protein context (NP_940820.1, residues 410-430): DLNVSVVVSP[Asn420Asp]FDSVSQATDV

ClinVar aggregate classification (germline): Uncertain significance. Review status: criteria provided, multiple submitters, no conflicts (2 of 4 stars). 3 submissions from 3 submitters: Uncertain significance (3). Last evaluated 2025-09-01.

Conditions:
BBS9-related disorder. Also called: BBS9-related condition.
Inborn genetic diseases. Identifiers: MedGen C0950123, MeSH D030342.
Bardet-Biedl syndrome (BBS). Identifiers: Orphanet 110, MedGen C0752166, MONDO:0015229.

Allele frequency attached by ClinVar (database versions not stated): gnomAD 0.00001.
gnomAD v4.1: 1 of 1,613,456 alleles (0.000062%); highest among the groups gnomAD compares: East Asian, 0.0022%; no homozygotes.

Submissions (3):

Ambry Genetics
Classification: Uncertain significance for Inborn genetic diseases. Last evaluated: 2025-09-01. Review status: criteria provided, single submitter. Criteria: Ambry Variant Classification Scheme 2023. Collection method: clinical testing. Allele origin: germline.

PreventionGenetics, part of Exact Sciences
Classification: Uncertain significance for BBS9-related condition. Last evaluated: 2025-02-13. Review status: criteria provided, single submitter. Criteria: ACMG Guidelines, 2015. Collection method: clinical testing. Allele origin: germline.
Comment: The BBS9 c.1258A>G variant is predicted to result in the amino acid substitution p.Asn420Asp. To our knowledge, this variant has not been reported in the literature or in a large population database (gnomAD), indicating this variant is rare. At this time, the clinical significance of this variant is uncertain due to the absence of conclusive functional and genetic evidence.

Labcorp Genetics (formerly Invitae), Labcorp
Classification: Uncertain significance for Bardet-Biedl syndrome. Last evaluated: 2021-08-19. Review status: criteria provided, single submitter. Criteria: Invitae Variant Classification Sherloc (09022015). Collection method: clinical testing. Allele origin: germline.
Comment: In summary, the available evidence is currently insufficient to determine the role of this variant in disease. Therefore, it has been classified as a Variant of Uncertain Significance. Algorithms developed to predict the effect of missense changes on protein structure and function output the following: SIFT: "Deleterious"; PolyPhen-2: "Benign"; Align-GVGD: "Class C15". The aspartic acid amino acid residue is found in multiple mammalian species, which suggests that this missense change does not adversely affect protein function. This variant has not been reported in the literature in individuals affected with BBS9-related conditions. This variant is not present in population databases (ExAC no frequency). This sequence change replaces asparagine with aspartic acid at codon 420 of the BBS9 protein (p.Asn420Asp). The asparagine residue is highly conserved and there is a small physicochemical difference between asparagine and aspartic acid.